The following is an entry in ClinVar:

NM_000198.4(HSD3B2):c.757T>A (p.Tyr253Asn)

Gene: HSD3B2 (hydroxy-delta-5-steroid dehydrogenase, 3 beta- and steroid delta-isomerase 2; plus strand). Cytogenetic location: 1p12.
Variant type: single nucleotide variant.
Coding change: c.757T>A on transcript NM_000198.4 (MANE Select); coding-DNA position 757, T replaced by A.
Protein change: p.Tyr253Asn; replaces tyrosine 253 with asparagine.
Molecular consequence: missense variant.
Genome position (GRCh38, 1-based): chr1:119,422,258, T>A. VCF-style: chr1-119422258-T-A. GRCh37 (hg19) VCF-style: chr1-119964881-T-A.
Other names: c.757T>A, p.Tyr253Asn (NM_001166120.2); short protein forms Y253N.
Identifiers: ClinVar variation 2733972 (VCV002733972.5), dbSNP rs1399005702, ClinGen allele CA341398227.

ClinVar aggregate classification (germline): Likely pathogenic. Review status: criteria provided, multiple submitters, no conflicts (2 of 4 stars). 2 submissions from 2 submitters: Likely pathogenic (2). Last evaluated 2024-01-31.

Conditions:
3 beta-Hydroxysteroid dehydrogenase deficiency. Also called: 3b-hydroxysteroid dehydrogenase deficiency; ADRENAL HYPERPLASIA, CONGENITAL, DUE TO 3-BETA-HYDROXYSTEROID DEHYDROGENASE 2 DEFICIENCY; 3-BETA-HSD DEFICIENCY; ADRENAL HYPERPLASIA II; Congenital adrenal hyperplasia due to 3-beta-hydroxysteroid dehydrogenase deficiency. Identifiers: Orphanet 90791, MedGen C0342471, MeSH C538236, MONDO:0008727, OMIM 201810. Disease mechanism: loss of function.

Allele frequency attached by ClinVar (database versions not stated): gnomAD exomes below 0.00001; TOPMed below 0.00001.
gnomAD v4.1: 2 of 1,614,130 alleles (0.00012%); no homozygotes.

Submissions (2):

Fulgent Genetics
Classification: Likely pathogenic for 3 beta-Hydroxysteroid dehydrogenase deficiency. Last evaluated: 2024-01-31. Review status: criteria provided, single submitter. Criteria: ACMG Guidelines, 2015. Collection method: clinical testing. Allele origin: germline.

Labcorp Genetics (formerly Invitae), Labcorp
Classification: Likely pathogenic. Last evaluated: 2023-08-29. Review status: criteria provided, single submitter. Criteria: Invitae Variant Classification Sherloc (09022015). Collection method: clinical testing. Allele origin: germline.
Comment: In summary, the currently available evidence indicates that the variant is pathogenic, but additional data are needed to prove that conclusively. Therefore, this variant has been classified as Likely Pathogenic. Experimental studies have shown that this missense change affects HSD3B2 function (PMID: 8316254, 11196452). Advanced modeling of protein sequence and biophysical properties (such as structural, functional, and spatial information, amino acid conservation, physicochemical variation, residue mobility, and thermodynamic stability) performed at Invitae indicates that this missense variant is expected to disrupt HSD3B2 protein function. This missense change has been observed in individual(s) with congenital adrenal hyperplasia (PMID: 8316254). In at least one individual the data is consistent with being in trans (on the opposite chromosome) from a pathogenic variant. This variant is present in population databases (no rsID available, gnomAD 0.03%). This sequence change replaces tyrosine, which is neutral and polar, with asparagine, which is neutral and polar, at codon 253 of the HSD3B2 protein (p.Tyr253Asn).

Literature cited by the submitters: PubMed 8316254 (cited by Labcorp Genetics (formerly Invitae), Labcorp); PubMed 11196452 (cited by Labcorp Genetics (formerly Invitae), Labcorp).